The following is an entry in ClinVar:

NM_000257.4(MYH7):c.1968C>A (p.Asn656Lys)

Gene: MYH7 (myosin heavy chain 7; minus strand). Cytogenetic location: 14q11.2.
Variant type: single nucleotide variant.
Coding change: c.1968C>A on transcript NM_000257.4 (MANE Select); coding-DNA position 1968, C replaced by A.
Protein change: p.Asn656Lys; replaces asparagine 656 with lysine.
Molecular consequence: missense variant.
Genome position (GRCh38, 1-based): chr14:23,426,853, G>T on the plus strand (C>A on the coding strand, the complement: MYH7 is on the minus strand). VCF-style: chr14-23426853-G-T. GRCh37 (hg19) VCF-style: chr14-23896062-G-T.
Other names: c.1968C>A, p.Asn656Lys (NM_001407004.1); short protein forms N656K.
Identifiers: ClinVar variation 2807601 (VCV002807601.4), dbSNP rs2502292780, ClinGen allele CA389049418.
Genomic context (GRCh38, chr14:23,426,853, plus strand): 5'-ATTAGGGATGATACAACGTACAAAGTGGGGATGGGTGGAGCGCAAGTTGGTCATCAGCTT[G>T]TTCAGATTTTCCTGTGGCCAAAAATGCAATAGAGAAAAGTAAAGAAAATGCCAGAAAGAG-3'
Protein context (NP_000248.2, residues 646-666): TVSALHRENL[Asn656Lys]KLMTNLRSTH

ClinVar aggregate classification (germline): Uncertain significance. Review status: criteria provided, multiple submitters, no conflicts (2 of 4 stars). 2 submissions from 2 submitters: Uncertain significance (2). Last evaluated 2025-06-03.

Conditions:
Hypertrophic cardiomyopathy. Also called: HYPERTROPHIC MYOCARDIOPATHY. Identifiers: Orphanet 217569, MedGen C0007194, MeSH D002312, MONDO:0005045, HP:0001639.
Cardiomyopathy (CMYO). Also called: Cardiomyopathies. Identifiers: Orphanet 167848, MedGen C0878544, MONDO:0004994, HP:0001638. Inheritance: Various modes of inheritance.

Allele frequency attached by ClinVar (database versions not stated): gnomAD exomes below 0.00001.
gnomAD v4.1: 1 of 1,614,094 alleles (0.000062%); highest among the groups gnomAD compares: Non-Finnish European, 0.000085%; no homozygotes.

Submissions (2):

Color Diagnostics, LLC DBA Color Health
Classification: Uncertain significance for Cardiomyopathy. Last evaluated: 2025-06-03. Review status: criteria provided, single submitter. Criteria: ACMG Guidelines, 2015. Collection method: clinical testing. Allele origin: germline.
Comment: This missense variant replaces asparagine with lysine at codon 656 of the MYH7 protein. This variant is found within a highly conserved region of the myosin head domain. Missense variants in this region have been shown to be significantly overrepresented in individuals with affected with hypertrophic cardiomyopathy (PMID: 27532257). Computational prediction suggests that this variant may have a deleterious impact on protein structure and function. To our knowledge, functional studies have not been reported for this variant. This variant has been reported in an individual affected with sudden cardiac death (PMID: 33954932). This variant has not been identified in the general population by the Genome Aggregation Database (gnomAD). The available evidence is insufficient to determine the role of this variant in disease conclusively. Therefore, this variant is classified as a Variant of Uncertain Significance.

Labcorp Genetics (formerly Invitae), Labcorp
Classification: Uncertain significance for Hypertrophic cardiomyopathy. Last evaluated: 2023-09-22. Review status: criteria provided, single submitter. Criteria: Invitae Variant Classification Sherloc (09022015). Collection method: clinical testing. Allele origin: germline.
Comment: In summary, the available evidence is currently insufficient to determine the role of this variant in disease. Therefore, it has been classified as a Variant of Uncertain Significance. Advanced modeling of protein sequence and biophysical properties (such as structural, functional, and spatial information, amino acid conservation, physicochemical variation, residue mobility, and thermodynamic stability) performed at Invitae indicates that this missense variant is expected to disrupt MYH7 protein function. This missense change has been observed in individual(s) with hypertrophic cardiomyopathy (Invitae). This variant is not present in population databases (gnomAD no frequency). This sequence change replaces asparagine, which is neutral and polar, with lysine, which is basic and polar, at codon 656 of the MYH7 protein (p.Asn656Lys).

Literature cited by the submitters: PubMed 27532257 (cited by Color Diagnostics, LLC DBA Color Health); PubMed 33954932 (cited by Color Diagnostics, LLC DBA Color Health).